The following is an entry in ClinVar:

NM_006361.6(HOXB13):c.359A>G (p.Tyr120Cys)

Gene: HOXB13 (homeobox B13; minus strand). Cytogenetic location: 17q21.32.
Variant type: single nucleotide variant.
Coding change: c.359A>G on transcript NM_006361.6 (MANE Select); coding-DNA position 359, A replaced by G.
Protein change: p.Tyr120Cys; replaces tyrosine 120 with cysteine.
Molecular consequence: missense variant.
Genome position (GRCh38, 1-based): chr17:48,728,235, T>C on the plus strand (A>G on the coding strand, the complement: HOXB13 is on the minus strand). VCF-style: chr17-48728235-T-C. GRCh37 (hg19) VCF-style: chr17-46805597-T-C.
Other names: short protein forms Y120C.
Identifiers: ClinVar variation 1477735 (VCV001477735.8), dbSNP rs2143072595, ClinGen allele CA400107624.
Genomic context (GRCh38, chr17:48,728,235, plus strand): 5'-ATAGGCTGGTAGGTTCCCGGATATCCCGGATAGAAGGCAAACTCAGTGGGGCGGCTGGGG[T>C]ACTCTTCCCCGGCCGTGGGAGTCTCCGCGGGGTACGCGGCCAGGGTGGCTGCCTGGGCAC-3'
Protein context (NP_006352.2, residues 110-130): PAETPTAGEE[Tyr120Cys]PSRPTEFAFY

ClinVar aggregate classification (germline): Uncertain significance (1 of 4 stars; one submission).

Submission:

Labcorp Genetics (formerly Invitae), Labcorp
Classification: Uncertain significance. Last evaluated: 2022-01-27. Review status: criteria provided, single submitter. Criteria: Invitae Variant Classification Sherloc (09022015). Collection method: clinical testing. Allele origin: germline.
Comment: This sequence change replaces tyrosine, which is neutral and polar, with cysteine, which is neutral and slightly polar, at codon 120 of the HOXB13 protein (p.Tyr120Cys). In summary, the available evidence is currently insufficient to determine the role of this variant in disease. Therefore, it has been classified as a Variant of Uncertain Significance. Algorithms developed to predict the effect of missense changes on protein structure and function are either unavailable or do not agree on the potential impact of this missense change (SIFT: "Deleterious"; PolyPhen-2: "Probably Damaging"; Align-GVGD: "Class C0"). This variant has not been reported in the literature in individuals affected with HOXB13-related conditions. This variant is not present in population databases (gnomAD no frequency).